The following is an entry in ClinVar:

ClinVar aggregate classification (germline): Uncertain significance. Review status: criteria provided, multiple submitters, no conflicts (2 of 4 stars). 2 submissions from 2 submitters: Uncertain significance (2). Last evaluated 2025-01-08.

Conditions:
PRPF8-related disorder. Also called: PRPF8-related condition.

Allele frequency attached by ClinVar (database versions not stated): gnomAD exomes below 0.00001.
gnomAD v4.1: 8 of 1,614,148 alleles (0.0005%); highest among the groups gnomAD compares: Non-Finnish European, 0.00051%; no homozygotes.

Submissions (2):

PreventionGenetics, part of Exact Sciences
Classification: Uncertain significance for PRPF8-related condition. Last evaluated: 2025-01-08. Review status: criteria provided, single submitter. Criteria: ACMG Guidelines, 2015. Collection method: clinical testing. Allele origin: germline.
Comment: The PRPF8 c.6191C>A variant is predicted to result in the amino acid substitution p.Thr2064Asn. To our knowledge, this variant has not been reported in the literature or in a large population database (gnomAD), indicating this variant is rare. At this time, the clinical significance of this variant is uncertain due to the absence of conclusive functional and genetic evidence.

Labcorp Genetics (formerly Invitae), Labcorp
Classification: Uncertain significance. Last evaluated: 2022-10-19. Review status: criteria provided, single submitter. Criteria: Invitae Variant Classification Sherloc (09022015). Collection method: clinical testing. Allele origin: germline.
Comment: In summary, the available evidence is currently insufficient to determine the role of this variant in disease. Therefore, it has been classified as a Variant of Uncertain Significance. Advanced modeling of protein sequence and biophysical properties (such as structural, functional, and spatial information, amino acid conservation, physicochemical variation, residue mobility, and thermodynamic stability) performed at Invitae indicates that this missense variant is not expected to disrupt PRPF8 protein function. This variant has not been reported in the literature in individuals affected with PRPF8-related conditions. This variant is not present in population databases (gnomAD no frequency). This sequence change replaces threonine, which is neutral and polar, with asparagine, which is neutral and polar, at codon 2064 of the PRPF8 protein (p.Thr2064Asn).

NM_006445.4(PRPF8):c.6191C>A (p.Thr2064Asn)

Gene: PRPF8 (pre-mRNA processing factor 8; minus strand). Cytogenetic location: 17p13.3.
Variant type: single nucleotide variant.
Coding change: c.6191C>A on transcript NM_006445.4 (MANE Select); coding-DNA position 6191, C replaced by A.
Protein change: p.Thr2064Asn; replaces threonine 2064 with asparagine.
Molecular consequence: missense variant.
Genome position (GRCh38, 1-based): chr17:1,653,813, G>T on the plus strand (C>A on the coding strand, the complement: PRPF8 is on the minus strand). VCF-style: chr17-1653813-G-T. GRCh37 (hg19) VCF-style: chr17-1557107-G-T.
Other names: c.6191C>A (NM_006445.3); short protein forms T2064N.
Identifiers: ClinVar variation 1973203 (VCV001973203.6), dbSNP rs1911208818, ClinGen allele CA397567062.